The following is an entry in ClinVar:

NM_003640.5(ELP1):c.2501A>G (p.Lys834Arg)

Gene: ELP1 (elongator acetyltransferase complex subunit 1; minus strand). Cytogenetic location: 9q31.3.
Variant type: single nucleotide variant.
Coding change: c.2501A>G on transcript NM_003640.5 (MANE Select); coding-DNA position 2501, A replaced by G.
Protein change: p.Lys834Arg; replaces lysine 834 with arginine.
Molecular consequence: missense variant.
Genome position (GRCh38, 1-based): chr9:108,897,148, T>C on the plus strand (A>G on the coding strand, the complement: ELP1 is on the minus strand). VCF-style: chr9-108897148-T-C. GRCh37 (hg19) VCF-style: chr9-111659428-T-C.
Other names: c.2159A>G, p.Lys720Arg (NM_001318360.2); c.1454A>G, p.Lys485Arg (NM_001330749.2); short protein forms K485R, K834R, K720R.
Identifiers: ClinVar variation 852866 (VCV000852866.8), dbSNP rs764026138, ClinGen allele CA5174634.

ClinVar aggregate classification (germline): Uncertain significance. Review status: criteria provided, single submitter (1 of 4 stars). 2 submissions from 2 submitters: Uncertain significance (1). 1 of the submissions does not count toward it. Last evaluated 2021-09-01.

Conditions:
Familial dysautonomia. Also called: HSAN III; FD. Identifiers: Orphanet 1764, MedGen C0013364, MONDO:0009131, OMIM 223900. Disease mechanism: loss of function.

Allele frequency attached by ClinVar (database versions not stated): TOPMed below 0.00001; ExAC 0.00001; gnomAD 0.00001; gnomAD exomes 0.00001.
gnomAD v4.1: 18 of 1,614,162 alleles (0.0011%); highest among the groups gnomAD compares: Admixed American, 0.0017%; no homozygotes.

Submissions (2):

Labcorp Genetics (formerly Invitae), Labcorp
Classification: Uncertain significance. Last evaluated: 2021-09-01. Review status: criteria provided, single submitter. Criteria: Invitae Variant Classification Sherloc (09022015). Collection method: clinical testing. Allele origin: germline.
Comment: This sequence change replaces lysine with arginine at codon 834 of the ELP1 protein (p.Lys834Arg). The lysine residue is highly conserved and there is a small physicochemical difference between lysine and arginine. This variant is present in population databases (rs764026138, ExAC 0.001%). This variant has not been reported in the literature in individuals affected with ELP1-related conditions. Algorithms developed to predict the effect of missense changes on protein structure and function output the following: SIFT: "Tolerated"; PolyPhen-2: "Benign"; Align-GVGD: "Class C0". The arginine amino acid residue is found in multiple mammalian species, which suggests that this missense change does not adversely affect protein function. Algorithms developed to predict the effect of sequence changes on RNA splicing suggest that this variant may create or strengthen a splice site. In summary, the available evidence is currently insufficient to determine the role of this variant in disease. Therefore, it has been classified as a Variant of Uncertain Significance.

Natera, Inc.
Classification: Uncertain significance for Familial dysautonomia. Last evaluated: 2020-09-16. Review status: no assertion criteria provided. Collection method: clinical testing. Allele origin: germline. Not counted in ClinVar's aggregate classification.